The following is an entry in ClinVar:

ClinVar aggregate classification (germline): Uncertain significance (1 of 4 stars; one submission).

Allele frequency attached by ClinVar (database versions not stated): gnomAD exomes below 0.00001; gnomAD 0.00001; TOPMed 0.00001; ExAC 0.00002.
gnomAD v4.1: 4 of 1,603,636 alleles (0.00025%); highest among the groups gnomAD compares: Non-Finnish European, 0.00034%; no homozygotes.

Submission:

Labcorp Genetics (formerly Invitae), Labcorp
Classification: Uncertain significance. Last evaluated: 2024-02-05. Review status: criteria provided, single submitter. Criteria: Invitae Variant Classification Sherloc (09022015). Collection method: clinical testing. Allele origin: germline.
Comment: This sequence change replaces glutamic acid, which is acidic and polar, with alanine, which is neutral and non-polar, at codon 222 of the COL18A1 protein (p.Glu222Ala). This variant is present in population databases (rs751255899, gnomAD 0.001%). This variant has not been reported in the literature in individuals affected with COL18A1-related conditions. ClinVar contains an entry for this variant (Variation ID: 1943861). Experimental studies and prediction algorithms are not available or were not evaluated, and the functional significance of this variant is currently unknown. In summary, the available evidence is currently insufficient to determine the role of this variant in disease. Therefore, it has been classified as a Variant of Uncertain Significance.

NM_001379500.1(COL18A1):c.665A>C (p.Glu222Ala)

Gene: COL18A1 (collagen type XVIII alpha 1 chain; plus strand). Cytogenetic location: 21q22.3.
Variant type: single nucleotide variant.
Coding change: c.665A>C on transcript NM_001379500.1 (MANE Select); coding-DNA position 665, A replaced by C.
Protein change: p.Glu222Ala; replaces glutamic acid 222 with alanine.
Molecular consequence: missense variant.
Genome position (GRCh38, 1-based): chr21:45,473,908, A>C. VCF-style: chr21-45473908-A-C. GRCh37 (hg19) VCF-style: chr21-46893822-A-C.
Other names: c.1205A>C, p.Glu402Ala (NM_030582.4); c.1910A>C, p.Glu637Ala (NM_130444.3); short protein forms E222A, E402A, E637A.
Identifiers: ClinVar variation 1943861 (VCV001943861.3), dbSNP rs751255899, ClinGen allele CA10065840.